The following is an entry in ClinVar:

ClinVar aggregate classification (germline): Uncertain significance. Review status: criteria provided, multiple submitters, no conflicts (2 of 4 stars). 2 submissions from 2 submitters: Uncertain significance (2). Last evaluated 2023-09-13.

Submissions (2):

Blueprint Genetics
Classification: Uncertain significance. Last evaluated: 2023-09-13. Review status: criteria provided, single submitter. Criteria: ACMG Guidelines, 2015. Collection method: clinical testing. Allele origin: germline.

GeneDx
Classification: Uncertain significance. Last evaluated: 2022-03-15. Review status: criteria provided, single submitter. Criteria: GeneDx Variant Classification Process June 2021. Collection method: clinical testing. Allele origin: germline. Affected: yes.
Comment: Not observed at significant frequency in large population cohorts (gnomAD); In silico analysis supports that this missense variant has a deleterious effect on protein structure/function; Has not been previously published as pathogenic or benign to our knowledge

NM_001190274.2(FBXO11):c.1363C>T (p.Arg455Cys)

Gene: FBXO11 (F-box protein 11; minus strand). Cytogenetic location: 2p16.3.
Variant type: single nucleotide variant.
Coding change: c.1363C>T on transcript NM_001190274.2 (MANE Select); coding-DNA position 1363, C replaced by T.
Protein change: p.Arg455Cys; replaces arginine 455 with cysteine.
Molecular consequence: missense variant.
Genome position (GRCh38, 1-based): chr2:47,832,384, G>A on the plus strand (C>T on the coding strand, the complement: FBXO11 is on the minus strand). VCF-style: chr2-47832384-G-A. GRCh37 (hg19) VCF-style: chr2-48059523-G-A.
Other names: c.1111C>T, p.Arg371Cys (NM_001374325.1, NM_025133.4); short protein forms R371C, R455C.
Identifiers: ClinVar variation 1707174 (VCV001707174.3), dbSNP rs2531188581, ClinGen allele CA346765242.